The following is an entry in ClinVar:

NM_199420.4(POLQ):c.4136A>G (p.Gln1379Arg)

Gene: POLQ (DNA polymerase theta; minus strand). Cytogenetic location: 3q13.33.
Variant type: single nucleotide variant.
Coding change: c.4136A>G on transcript NM_199420.4 (MANE Select); coding-DNA position 4136, A replaced by G.
Protein change: p.Gln1379Arg; replaces glutamine 1379 with arginine.
Molecular consequence: missense variant.
Genome position (GRCh38, 1-based): chr3:121,488,795, T>C on the plus strand (A>G on the coding strand, the complement: POLQ is on the minus strand). VCF-style: chr3-121488795-T-C. GRCh37 (hg19) VCF-style: chr3-121207642-T-C.
Other names: short protein forms Q1379R.
Identifiers: ClinVar variation 3229983 (VCV003229983.1), dbSNP rs2546786298, ClinGen allele CA354096028.

ClinVar aggregate classification (germline): Uncertain significance (1 of 4 stars; one submission).

Submission:

Ambry Genetics
Classification: Uncertain significance. Last evaluated: 2024-03-06. Review status: criteria provided, single submitter. Criteria: Ambry Variant Classification Scheme 2023. Collection method: clinical testing. Allele origin: germline.
Comment: The p.Q1379R variant (also known as c.4136A>G), located in coding exon 16 of the POLQ gene, results from an A to G substitution at nucleotide position 4136. The glutamine at codon 1379 is replaced by arginine, an amino acid with highly similar properties. This amino acid position is conserved. In addition, this alteration is predicted to be tolerated by in silico analysis. Based on the available evidence, the clinical significance of this alteration remains unclear.